The following is an entry in ClinVar:

NM_172107.4(KCNQ2):c.536C>G (p.Ser179Cys)

Gene: KCNQ2 (potassium voltage-gated channel subfamily Q member 2; minus strand). Cytogenetic location: 20q13.33.
Variant type: single nucleotide variant.
Coding change: c.536C>G on transcript NM_172107.4 (MANE Select); coding-DNA position 536, C replaced by G.
Protein change: p.Ser179Cys; replaces serine 179 with cysteine.
Molecular consequence: missense variant.
Genome position (GRCh38, 1-based): chr20:63,444,813, G>C on the plus strand (C>G on the coding strand, the complement: KCNQ2 is on the minus strand). VCF-style: chr20-63444813-G-C. GRCh37 (hg19) VCF-style: chr20-62076166-G-C.
Other names: c.536C>G, p.Ser179Cys (NM_001382235.1, NM_004518.6, NM_172106.3 and 2 more transcripts); short protein forms S179C.
Identifiers: ClinVar variation 3637740 (VCV003637740.2).

ClinVar aggregate classification (germline): Uncertain significance (1 of 4 stars; one submission).

Conditions:
Early-infantile DEE. Also called: Early infantile epileptic encephalopathy; Ohtahara syndrome; Early infantile epileptic encephalopathy with suppression bursts. Identifiers: Orphanet 1934, MedGen C0393706, MONDO:0800491.

Submission:

Labcorp Genetics (formerly Invitae), Labcorp
Classification: Uncertain significance for Early-infantile DEE. Last evaluated: 2024-11-19. Review status: criteria provided, single submitter. Criteria: Invitae Variant Classification Sherloc (09022015). Collection method: clinical testing. Allele origin: germline.
Comment: This sequence change replaces serine, which is neutral and polar, with cysteine, which is neutral and slightly polar, at codon 179 of the KCNQ2 protein (p.Ser179Cys). This variant is not present in population databases (gnomAD no frequency). This variant has not been reported in the literature in individuals affected with KCNQ2-related conditions. Invitae Evidence Modeling of protein sequence and biophysical properties (such as structural, functional, and spatial information, amino acid conservation, physicochemical variation, residue mobility, and thermodynamic stability) indicates that this missense variant is expected to disrupt KCNQ2 protein function with a positive predictive value of 95%. In summary, the available evidence is currently insufficient to determine the role of this variant in disease. Therefore, it has been classified as a Variant of Uncertain Significance.